The following is an entry in ClinVar:

NM_032217.5(ANKRD17):c.2320A>G (p.Ile774Val)

Gene: ANKRD17 (ankyrin repeat domain 17; minus strand). Cytogenetic location: 4q13.3.
Variant type: single nucleotide variant.
Coding change: c.2320A>G on transcript NM_032217.5 (MANE Select); coding-DNA position 2320, A replaced by G.
Protein change: p.Ile774Val; replaces isoleucine 774 with valine.
Molecular consequence: missense variant.
Genome position (GRCh38, 1-based): chr4:73,141,753, T>C on the plus strand (A>G on the coding strand, the complement: ANKRD17 is on the minus strand). VCF-style: chr4-73141753-T-C. GRCh37 (hg19) VCF-style: chr4-74007470-T-C.
Other names: c.1981A>G, p.Ile661Val (NM_001286771.3); c.2320A>G, p.Ile774Val (NM_015574.2, NM_198889.3); c.2320A>G (NM_032217.3); short protein forms I661V, I774V.
Identifiers: ClinVar variation 2193404 (VCV002193404.5), dbSNP rs766111088, ClinGen allele CA2958748.
Genomic context (GRCh38, chr4:73,141,753, plus strand): 5'-TTTTACCTGGACACCAAGTAAGAAACAGTCTTTAGAAGTATAACTGACCTTTATTCCTGA[T>C]GGGAAGAGTGGTGGCAACATTGGCAGGTGGTTTGTCAGGCTCCTGAGGTGGAACAACCAT-3'
Protein context (NP_115593.3, residues 764-784): PPANVATTLP[Ile774Val]RNKAASKQKS

ClinVar aggregate classification (germline): Uncertain significance. Review status: criteria provided, multiple submitters, no conflicts (2 of 4 stars). 2 submissions from 2 submitters: Uncertain significance (2). Last evaluated 2023-05-12.

Conditions:
Inborn genetic diseases. Identifiers: MedGen C0950123, MeSH D030342.

Allele frequency attached by ClinVar (database versions not stated): ExAC 0.00001.
gnomAD v4.1: 4 of 1,613,522 alleles (0.00025%); highest among the groups gnomAD compares: Admixed American, 0.0017%; no homozygotes.

Submissions (2):

Labcorp Genetics (formerly Invitae), Labcorp
Classification: Uncertain significance. Last evaluated: 2023-05-12. Review status: criteria provided, single submitter. Criteria: Invitae Variant Classification Sherloc (09022015). Collection method: clinical testing. Allele origin: germline.
Comment: This sequence change replaces isoleucine, which is neutral and non-polar, with valine, which is neutral and non-polar, at codon 774 of the ANKRD17 protein (p.Ile774Val). This variant is present in population databases (rs766111088, gnomAD 0.003%). This variant has not been reported in the literature in individuals affected with ANKRD17-related conditions. ClinVar contains an entry for this variant (Variation ID: 2193404). Algorithms developed to predict the effect of missense changes on protein structure and function output the following: SIFT: "Not Available"; PolyPhen-2: "Benign"; Align-GVGD: "Not Available". The valine amino acid residue is found in multiple mammalian species, which suggests that this missense change does not adversely affect protein function. In summary, the available evidence is currently insufficient to determine the role of this variant in disease. Therefore, it has been classified as a Variant of Uncertain Significance.

Ambry Genetics
Classification: Uncertain significance for Inborn genetic diseases. Last evaluated: 2021-09-15. Review status: criteria provided, single submitter. Criteria: Ambry Variant Classification Scheme 2023. Collection method: clinical testing. Allele origin: germline.